The following is an entry in ClinVar:

ClinVar aggregate classification (germline): Uncertain significance. Review status: criteria provided, multiple submitters, no conflicts (2 of 4 stars). 3 submissions from 3 submitters: Uncertain significance (3). Last evaluated 2024-05-17.

Conditions:
Malignant hyperthermia, susceptibility to, 1 (MHS1). Also called: Anesthesia related hyperthermia; Malignant hyperpyrexia; Fulminating hyperpyrexia; Pharmacogenic myopathy; RYR1-Related Malignant Hyperthermia Susceptibility; Malignant hyperthermia suceptibility 1. Identifiers: Orphanet 423, MedGen C2930980, MONDO:0007783, OMIM 145600.
RYR1-related disorder. Also called: RYR1-related disorders; RYR1-related condition. Identifiers: MedGen CN239331.

Allele frequency attached by ClinVar (database versions not stated): ExAC 0.00001.
gnomAD v4.1: 5 of 1,614,246 alleles (0.00031%); highest among the groups gnomAD compares: Non-Finnish European, 0.00042%; no homozygotes.

Submissions (3):

All of Us Research Program, National Institutes of Health
Classification: Uncertain significance for Malignant hyperthermia, susceptibility to, 1. Last evaluated: 2024-05-17. Review status: criteria provided, single submitter. Criteria: ACMG Guidelines, 2015. Collection method: clinical testing. Allele origin: germline. Inheritance: Autosomal dominant inheritance. Observed: 1 variant allele, 1 heterozygote.
Comment: This study involves interpretation of variants in research participants for the purpose of population health screening. Participant phenotype was not available at the time of variant classification. Additional details can be found in publication PMID: 35346344, PMCID: PMC8962531

GeneDx
Classification: Uncertain significance. Last evaluated: 2024-03-14. Review status: criteria provided, single submitter. Criteria: GeneDx Variant Classification Process June 2021. Collection method: clinical testing. Allele origin: germline. Affected: yes.
Comment: Not observed at significant frequency in large population cohorts (gnomAD); In silico analysis supports that this missense variant has a deleterious effect on protein structure/function; This variant is associated with the following publications: (PMID: 12668474, 31165076, 35428369)

Labcorp Genetics (formerly Invitae), Labcorp
Classification: Uncertain significance for RYR1-related disorder. Last evaluated: 2024-03-03. Review status: criteria provided, single submitter. Criteria: Invitae Variant Classification Sherloc (09022015). Collection method: clinical testing. Allele origin: germline.
Comment: This sequence change replaces serine, which is neutral and polar, with isoleucine, which is neutral and non-polar, at codon 3098 of the RYR1 protein (p.Ser3098Ile). This variant is present in population databases (rs749716677, gnomAD 0.0009%). This missense change has been observed in individual(s) with RYR1-related conditions (PMID: 31165076, 35428369). Advanced modeling of protein sequence and biophysical properties (such as structural, functional, and spatial information, amino acid conservation, physicochemical variation, residue mobility, and thermodynamic stability) has been performed at Invitae for this missense variant, however the output from this modeling did not meet the statistical confidence thresholds required to predict the impact of this variant on RYR1 protein function. In summary, the available evidence is currently insufficient to determine the role of this variant in disease. Therefore, it has been classified as a Variant of Uncertain Significance.

Literature cited by the submitters: PubMed 31165076 (cited by Labcorp Genetics (formerly Invitae), Labcorp); PubMed 35428369 (cited by Labcorp Genetics (formerly Invitae), Labcorp).

NM_000540.3(RYR1):c.9293G>T (p.Ser3098Ile)

Gene: RYR1 (ryanodine receptor 1; plus strand). Cytogenetic location: 19q13.2.
Variant type: single nucleotide variant.
Coding change: c.9293G>T on transcript NM_000540.3 (MANE Select); coding-DNA position 9293, G replaced by T.
Protein change: p.Ser3098Ile; replaces serine 3098 with isoleucine.
Molecular consequence: missense variant.
Genome position (GRCh38, 1-based): chr19:38,512,304, G>T. VCF-style: chr19-38512304-G-T. GRCh37 (hg19) VCF-style: chr19-39002944-G-T.
Other names: c.9293G>T, p.Ser3098Ile (NM_001042723.2); short protein forms S3098I.
Identifiers: ClinVar variation 2894876 (VCV002894876.5), dbSNP rs749716677, ClinGen allele CA073464.